The following is an entry in ClinVar:

ClinVar aggregate classification (germline): Conflicting classifications of pathogenicity. Review status: criteria provided, conflicting classifications (1 of 4 stars). 4 submissions from 3 submitters: Uncertain significance (3); Likely benign (1). Last evaluated 2024-01-01.

Conditions:
Mitochondrial complex I deficiency, nuclear type 1. Also called: NADH-COENZYME Q REDUCTASE DEFICIENCY; MITOCHONDRIAL NADH DEHYDROGENASE COMPONENT OF COMPLEX I, DEFICIENCY OF. Identifiers: MedGen C6022305, MONDO:0100224, OMIM 252010.
Leigh syndrome (NULS). Also called: Leigh Syndrome (mtDNA deletion); Leigh's syndrome; Subacute necrotizing encephalopathy; Necrotizing encephalopathy infantile subacute of Leigh; Leigh Disease; LEIGH SYNDROME, NUCLEAR. Identifiers: Orphanet 506, MedGen C2931891, MONDO:0009723, OMIM 256000.

Allele frequency attached by ClinVar (database versions not stated): 1000 Genomes Project 30x 0.00265; 1000 Genomes Project 0.00280; TOPMed 0.00569; gnomAD 0.00593 and 0.00612; gnomAD exomes 0.00675.
gnomAD v4.1: 3,222 of 496,410 alleles (0.65%); highest among the groups gnomAD compares: Non-Finnish European, 0.97%; 16 homozygotes.

Submissions (4):

CeGaT Center for Human Genetics Tuebingen
Classification: Likely benign. Last evaluated: 2024-01-01. Review status: criteria provided, single submitter. Criteria: CeGaT Center For Human Genetics Tuebingen Variant Classification Criteria Version 2. Collection method: clinical testing. Allele origin: germline. Affected: yes. Observed: 4 variant alleles.
Comment: NDUFS1: BS2

Illumina Laboratory Services, Illumina
Classification: Uncertain significance for Leigh syndrome. Last evaluated: 2018-01-12. Review status: criteria provided, single submitter. Criteria: ICSL Variant Classification Criteria 13 December 2019. Collection method: clinical testing. Allele origin: germline.

Illumina Laboratory Services, Illumina
Classification: Uncertain significance for Mitochondrial complex I deficiency, nuclear type 1. Last evaluated: 2018-01-12. Review status: criteria provided, single submitter. Criteria: ICSL Variant Classification Criteria 13 December 2019. Collection method: clinical testing. Allele origin: germline.

Breakthrough Genomics
Classification: Uncertain significance. Review status: criteria provided, single submitter. Criteria: ACMG Guidelines, 2015. Collection method: not provided. Allele origin: germline. Inheritance: Autosomal recessive inheritance. Affected: yes.

NM_005006.7(NDUFS1):c.-75A>G

Genes: NDUFS1 (NADH:ubiquinone oxidoreductase core subunit S1; minus strand), LOC129935473 (ATAC-STARR-seq lymphoblastoid active region 17025; plus strand). Cytogenetic location: 2q33.3.
Variant type: single nucleotide variant.
Coding change: c.-75A>G on transcript NM_005006.7 (MANE Select); 75 bases upstream of the start codon, A replaced by G.
Molecular consequence: 5 prime UTR variant.
Genome position (GRCh38, 1-based): chr2:206,159,411, T>C on the plus strand (A>G on the coding strand, the complement: NDUFS1 is on the minus strand). VCF-style: chr2-206159411-T-C. GRCh37 (hg19) VCF-style: chr2-207024135-T-C.
Other names: c.-75A>G (NM_001199981.2); c.-131A>G (NM_001199982.2); c.-154A>G (NM_001199983.2).
Identifiers: ClinVar variation 896387 (VCV000896387.29), dbSNP rs138818421, ClinGen allele CA63679024.